The following is an entry in ClinVar:

NM_013296.5(GPSM2):c.23T>C (p.Met8Thr)

Gene: GPSM2 (G protein signaling modulator 2; plus strand). Cytogenetic location: 1p13.3.
Variant type: single nucleotide variant.
Coding change: c.23T>C on transcript NM_013296.5 (MANE Select); coding-DNA position 23, T replaced by C.
Protein change: p.Met8Thr; replaces methionine 8 with threonine.
Molecular consequence: missense variant.
Genome position (GRCh38, 1-based): chr1:108,885,545, T>C. VCF-style: chr1-108885545-T-C. GRCh37 (hg19) VCF-style: chr1-109428167-T-C.
Other names: c.23T>C, p.Met8Thr (NM_001321038.2, NM_001321039.3); short protein forms M8T.
Identifiers: ClinVar variation 1308983 (VCV001308983.2), dbSNP rs2101328482, ClinGen allele CA341452172.
Genomic context (GRCh38, chr1:108,885,545, plus strand): 5'-AAAATAATTTTATTTTATTCAGCTTATAATATGACTCGATGGAGGAAAATTTGATAAGCA[T>C]GAGAGAAGACCATTCTTTTCATGTTCGTTACAGGTAAGACTATTGCTGTCTTAATGGATG-3'
Protein context (NP_037428.3, residues 1-18): MEENLIS[Met8Thr]REDHSFHVRY

ClinVar aggregate classification (germline): Uncertain significance (1 of 4 stars; one submission).

Submission:

GeneDx
Classification: Uncertain significance. Last evaluated: 2019-09-30. Review status: criteria provided, single submitter. Criteria: GeneDx Variant Classification Process June 2021. Collection method: clinical testing. Allele origin: germline. Affected: yes.
Comment: Not observed in large population cohorts (Lek et al., 2016); In silico analysis, which includes protein predictors and evolutionary conservation, supports that this variant does not alter protein structure/function; Has not been previously published as pathogenic or benign to our knowledge